The following is an entry in ClinVar:

ClinVar aggregate classification (germline): Uncertain significance (1 of 4 stars; one submission).

Allele frequency attached by ClinVar (database versions not stated): gnomAD exomes 0.00003 and 0.00001; ExAC 0.00002.
gnomAD v4.1: 45 of 1,613,932 alleles (0.0028%); highest among the groups gnomAD compares: Non-Finnish European, 0.0037%; no homozygotes.

Submission:

Labcorp Genetics (formerly Invitae), Labcorp
Classification: Uncertain significance. Last evaluated: 2021-12-02. Review status: criteria provided, single submitter. Criteria: Invitae Variant Classification Sherloc (09022015). Collection method: clinical testing. Allele origin: germline.
Comment: This sequence change replaces phenylalanine, which is neutral and non-polar, with leucine, which is neutral and non-polar, at codon 272 of the JAM3 protein (p.Phe272Leu). This variant is present in population databases (rs550090586, gnomAD 0.002%). This variant has not been reported in the literature in individuals affected with JAM3-related conditions. Algorithms developed to predict the effect of missense changes on protein structure and function are either unavailable or do not agree on the potential impact of this missense change (SIFT: "Deleterious"; PolyPhen-2: "Benign"; Align-GVGD: "Class C15"). In summary, the available evidence is currently insufficient to determine the role of this variant in disease. Therefore, it has been classified as a Variant of Uncertain Significance.

NM_032801.5(JAM3):c.816C>G (p.Phe272Leu)

Gene: JAM3 (junctional adhesion molecule 3; plus strand). Cytogenetic location: 11q25.
Variant type: single nucleotide variant.
Coding change: c.816C>G on transcript NM_032801.5 (MANE Select); coding-DNA position 816, C replaced by G.
Protein change: p.Phe272Leu; replaces phenylalanine 272 with leucine.
Molecular consequence: missense variant.
Genome position (GRCh38, 1-based): chr11:134,148,650, C>G. VCF-style: chr11-134148650-C-G. GRCh37 (hg19) VCF-style: chr11-134018545-C-G.
Other names: c.663C>G, p.Phe221Leu (NM_001205329.2); short protein forms F221L, F272L.
Identifiers: ClinVar variation 1436010 (VCV001436010.3), dbSNP rs550090586, ClinGen allele CA6370210.